The following is an entry in ClinVar:

NM_032608.7(MYO18B):c.3110G>C (p.Trp1037Ser)

Gene: MYO18B (myosin XVIIIB; plus strand). Cytogenetic location: 22q12.1.
Variant type: single nucleotide variant.
Coding change: c.3110G>C on transcript NM_032608.7 (MANE Select); coding-DNA position 3110, G replaced by C.
Protein change: p.Trp1037Ser; replaces tryptophan 1037 with serine.
Molecular consequence: missense variant.
Genome position (GRCh38, 1-based): chr22:25,835,345, G>C. VCF-style: chr22-25835345-G-C. GRCh37 (hg19) VCF-style: chr22-26231312-G-C.
Other names: c.3113G>C, p.Trp1038Ser (NM_001318245.2); short protein forms W1037S, W1038S.
Identifiers: ClinVar variation 1264522 (VCV001264522.11), dbSNP rs17704912, ClinGen allele CA10160449.
Genomic context (GRCh38, chr22:25,835,345, plus strand): 5'-TCTCCCAGCAGGTCCGCTTACCAGCTGGAGGAGGTGCCCAGGATGCCAGAGGCCTTTTCT[G>C]GGTCTTAGATGAGGAAGTCCATGTAGAGGGCTCCAGTGACAGTGTGGTGCTCGAGCGTCT-3'
Protein context (NP_115997.5, residues 1027-1047): GGAQDARGLF[Trp1037Ser]VLDEEVHVEG

ClinVar aggregate classification (germline): Benign. Review status: criteria provided, multiple submitters, no conflicts (2 of 4 stars). 3 submissions from 3 submitters: Benign (3). Last evaluated 2026-02-03.

Allele frequency attached by ClinVar (database versions not stated): 1000 Genomes Project 0.02256; 1000 Genomes Project 30x 0.02436; ESP Exome Variant Server 0.05361.
gnomAD v4.1: 99,738 of 1,613,906 alleles (6.2%); highest among the groups gnomAD compares: Non-Finnish European, 7.5%; 3,691 homozygotes.

Submissions (3):

Labcorp Genetics (formerly Invitae), Labcorp
Classification: Benign. Last evaluated: 2026-02-03. Review status: criteria provided, single submitter. Criteria: Invitae Variant Classification Sherloc (09022015). Collection method: clinical testing. Allele origin: germline.

GeneDx
Classification: Benign. Last evaluated: 2021-05-04. Review status: criteria provided, single submitter. Criteria: GeneDx Variant Classification Process June 2021. Collection method: clinical testing. Allele origin: germline. Affected: yes.
Comment: This variant is associated with the following publications: (PMID: 16574953)

Breakthrough Genomics
Classification: Benign. Review status: criteria provided, single submitter. Criteria: ACMG Guidelines, 2015. Collection method: not provided. Allele origin: germline. Inheritance: Autosomal recessive inheritance. Affected: yes.